The following is an entry in ClinVar:

NM_001127649.3(PEX26):c.728C>T (p.Ala243Val)

Gene: PEX26 (peroxisomal biogenesis factor 26; plus strand). Cytogenetic location: 22q11.21.
Variant type: single nucleotide variant.
Coding change: c.728C>T on transcript NM_001127649.3 (MANE Select); coding-DNA position 728, C replaced by T.
Protein change: p.Ala243Val; replaces alanine 243 with valine.
Molecular consequence: missense variant. On other transcripts: intron variant (1).
Genome position (GRCh38, 1-based): chr22:18,085,172, C>T. VCF-style: chr22-18085172-C-T. GRCh37 (hg19) VCF-style: chr22-18567938-C-T.
Other names: c.728C>T, p.Ala243Val (NM_017929.6); c.667+1440C>T (NM_001199319.2); short protein forms A243V.
Identifiers: ClinVar variation 95879 (VCV000095879.60), dbSNP rs149153003, ClinGen allele CA223512.

ClinVar aggregate classification (germline): Conflicting classifications of pathogenicity. Review status: criteria provided, conflicting classifications (1 of 4 stars). 5 submissions from 5 submitters: Uncertain significance (1); Benign (1); Likely benign (3). Last evaluated 2026-07-01.

Conditions:
Peroxisome biogenesis disorder 7A (Zellweger). Also called: Peroxisome biogenesis disorder 7A. Identifiers: Orphanet 912, MedGen C3888385, MONDO:0013938, OMIM 614872.
Peroxisome biogenesis disorder 7B (PBD7B). Identifiers: Orphanet 44, MedGen C3553951, MONDO:0013939, OMIM 614873.

Allele frequency attached by ClinVar (database versions not stated): ExAC 0.00246; gnomAD exomes 0.00194 and 0.00263; 1000 Genomes Project 30x 0.00062; ESP Exome Variant Server 0.00131; TOPMed 0.00186; 1000 Genomes Project 0.00060; gnomAD 0.00083.
gnomAD v4.1: 3,166 of 1,614,068 alleles (0.2%); highest among the groups gnomAD compares: Middle Eastern, 0.82%; 17 homozygotes.

Submissions (5):

CeGaT Center for Human Genetics Tuebingen
Classification: Likely benign. Last evaluated: 2026-07-01. Review status: criteria provided, single submitter. Criteria: CeGaT Center For Human Genetics Tuebingen Variant Classification Criteria Version 2. Collection method: clinical testing. Allele origin: germline. Affected: yes. Observed: 4 variant alleles.
Comment: PEX26: BP4

Labcorp Genetics (formerly Invitae), Labcorp
Classification: Benign for Peroxisome biogenesis disorder 7A (Zellweger); Peroxisome biogenesis disorder 7B. Last evaluated: 2026-01-31. Review status: criteria provided, single submitter. Criteria: Invitae Variant Classification Sherloc (09022015). Collection method: clinical testing. Allele origin: germline.

Illumina Laboratory Services, Illumina
Classification: Uncertain significance for Peroxisome biogenesis disorder 7A (Zellweger). Last evaluated: 2018-01-13. Review status: criteria provided, single submitter. Criteria: ICSL Variant Classification Criteria 13 December 2019. Collection method: clinical testing. Allele origin: germline.

Eurofins Ntd Llc (ga)
Classification: Likely benign. Last evaluated: 2016-04-26. Review status: criteria provided, single submitter. Criteria: EGL Classification Definitions 2015. Collection method: clinical testing. Allele origin: germline. Observed: 3 variant alleles, 3 heterozygotes.

Center for Pediatric Genomic Medicine, Children's Mercy Hospital and Clinics
Classification: Likely benign. Last evaluated: 2016-02-18. Review status: criteria provided, single submitter. Criteria: ACMG Guidelines, 2015. Collection method: clinical testing. Allele origin: germline.
ClinVar note: Converted during submission from Likely Benign to Likely benign.